The following is an entry in ClinVar:

NM_004304.5(ALK):c.4729T>G (p.Phe1577Val)

Gene: ALK (ALK receptor tyrosine kinase; minus strand). Cytogenetic location: 2p23.2.
Variant type: single nucleotide variant.
Coding change: c.4729T>G on transcript NM_004304.5 (MANE Select); coding-DNA position 4729, T replaced by G.
Protein change: p.Phe1577Val; replaces phenylalanine 1577 with valine.
Molecular consequence: missense variant.
Genome position (GRCh38, 1-based): chr2:29,193,358, A>C on the plus strand (T>G on the coding strand, the complement: ALK is on the minus strand). VCF-style: chr2-29193358-A-C. GRCh37 (hg19) VCF-style: chr2-29416224-A-C.
Other names: c.1525T>G, p.Phe509Val (NM_001353765.2); short protein forms F1577V, F509V.
Identifiers: ClinVar variation 566447 (VCV000566447.14), dbSNP rs200829376, ClinGen allele CA1593501.
Genomic context (GRCh38, chr2:29,193,358, plus strand): 5'-TAGCGGCTTCTAAGGGCAAGCCCTGTTGCTGGTAGCCGTAATTGACATTCCCACAAGGGA[A>C]GTGACGTAGCCTGAACAGAGGTACCTCCTTCATATTGGCAGTCAGCGAAGAGGGCTCTAG-3'
Protein context (NP_004295.2, residues 1567-1587): KEVPLFRLRH[Phe1577Val]PCGNVNYGYQ

ClinVar aggregate classification (germline): Uncertain significance. Review status: criteria provided, multiple submitters, no conflicts (2 of 4 stars). 2 submissions from 2 submitters: Uncertain significance (2). Last evaluated 2025-12-08.

Conditions:
Hereditary cancer-predisposing syndrome. Also called: Neoplastic Syndromes, Hereditary; Tumor predisposition; Hereditary Cancer Syndrome; Hereditary neoplastic syndrome. Identifiers: Orphanet 140162, MedGen C0027672, MeSH D009386, MONDO:0015356.
Neuroblastoma, susceptibility to, 3. Also called: ALK-Related Neuroblastic Tumor Susceptibility. Identifiers: Orphanet 635, MedGen C2751681, MONDO:0013083, OMIM 613014.

Allele frequency attached by ClinVar (database versions not stated): gnomAD 0.00001; TOPMed 0.00001; ESP Exome Variant Server 0.00008.
gnomAD v4.1: 10 of 1,614,094 alleles (0.00062%); highest among the groups gnomAD compares: South Asian, 0.0011%; no homozygotes.

Submissions (2):

Labcorp Genetics (formerly Invitae), Labcorp
Classification: Uncertain significance for Neuroblastoma, susceptibility to, 3. Last evaluated: 2025-12-08. Review status: criteria provided, single submitter. Criteria: Invitae Variant Classification Sherloc (09022015). Collection method: clinical testing. Allele origin: germline.
Comment: This sequence change replaces phenylalanine, which is neutral and non-polar, with valine, which is neutral and non-polar, at codon 1577 of the ALK protein (p.Phe1577Val). This variant is present in population databases (rs200829376, gnomAD 0.002%). This variant has not been reported in the literature in individuals affected with ALK-related conditions. ClinVar contains an entry for this variant (Variation ID: 566447). An algorithm developed to predict the effect of missense changes on protein structure and function (PolyPhen-2) suggests that this variant is likely to be disruptive. In summary, the available evidence is currently insufficient to determine the role of this variant in disease. Therefore, it has been classified as a Variant of Uncertain Significance.

Ambry Genetics
Classification: Uncertain significance for Hereditary cancer-predisposing syndrome. Last evaluated: 2024-08-15. Review status: criteria provided, single submitter. Criteria: Ambry Variant Classification Scheme 2023. Collection method: clinical testing. Allele origin: germline.
Comment: The p.F1577V variant (also known as c.4729T>G), located in coding exon 29 of the ALK gene, results from a T to G substitution at nucleotide position 4729. The phenylalanine at codon 1577 is replaced by valine, an amino acid with highly similar properties. This amino acid position is conserved. In addition, this alteration is predicted to be tolerated by in silico analysis. Since supporting evidence is limited at this time, the clinical significance of this alteration remains unclear.